The following is an entry in ClinVar:

ClinVar aggregate classification (germline): Uncertain significance (1 of 4 stars; one submission).

Allele frequency attached by ClinVar (database versions not stated): ExAC 0.00004; gnomAD exomes 0.00004; TOPMed 0.00008; gnomAD 0.00009 and 0.00011; ESP Exome Variant Server 0.00023.

Submission:

Labcorp Genetics (formerly Invitae), Labcorp
Classification: Uncertain significance. Last evaluated: 2025-05-23. Review status: criteria provided, single submitter. Criteria: Invitae Variant Classification Sherloc (09022015). Collection method: clinical testing. Allele origin: germline.
Comment: This sequence change replaces proline, which is neutral and non-polar, with threonine, which is neutral and polar, at codon 712 of the SORL1 protein (p.Pro712Thr). This variant is present in population databases (rs145498119, gnomAD 0.05%). This variant has not been reported in the literature in individuals affected with SORL1-related conditions. ClinVar contains an entry for this variant (Variation ID: 1379600). An algorithm developed to predict the effect of missense changes on protein structure and function (PolyPhen-2) suggests that this variant is likely to be tolerated. In summary, the available evidence is currently insufficient to determine the role of this variant in disease. Therefore, it has been classified as a Variant of Uncertain Significance.

NM_003105.6(SORL1):c.2134C>A (p.Pro712Thr)

Gene: SORL1 (sortilin related receptor 1; plus strand). Cytogenetic location: 11q24.1.
Variant type: single nucleotide variant.
Coding change: c.2134C>A on transcript NM_003105.6 (MANE Select); coding-DNA position 2134, C replaced by A.
Protein change: p.Pro712Thr; replaces proline 712 with threonine.
Molecular consequence: missense variant.
Genome position (GRCh38, 1-based): chr11:121,550,042, C>A. VCF-style: chr11-121550042-C-A. GRCh37 (hg19) VCF-style: chr11-121420751-C-A.
Other names: short protein forms P712T.
Identifiers: ClinVar variation 1379600 (VCV001379600.8), dbSNP rs145498119, ClinGen allele CA6328843.
Genomic context (GRCh38, chr11:121,550,042, plus strand): 5'-GAAGATTTGTCATTAGAGGTTTGTGTTCCAGATCCGGAATTTTCTGGAAAGTCATACTCC[C>A]CTCCTGTGCCTTGCCCTGTGGGTTCTACTTACAGGAGAACGAGAGGGTATGTATCACAGA-3'
Protein context (NP_003096.2, residues 702-722): DPEFSGKSYS[Pro712Thr]PVPCPVGSTY